The following is an entry in ClinVar:

NM_002473.6(MYH9):c.2267T>C (p.Ile756Thr)

Gene: MYH9 (myosin heavy chain 9; minus strand). Cytogenetic location: 22q12.3.
Variant type: single nucleotide variant.
Coding change: c.2267T>C on transcript NM_002473.6 (MANE Select); coding-DNA position 2267, T replaced by C.
Protein change: p.Ile756Thr; replaces isoleucine 756 with threonine.
Molecular consequence: missense variant.
Genome position (GRCh38, 1-based): chr22:36,304,118, A>G on the plus strand (T>C on the coding strand, the complement: MYH9 is on the minus strand). VCF-style: chr22-36304118-A-G. GRCh37 (hg19) VCF-style: chr22-36700164-A-G.
Other names: c.2267T>C (NM_002473.4); short protein forms I756T.
Identifiers: ClinVar variation 2199957 (VCV002199957.8), dbSNP rs769495712, ClinGen allele CA10210020.

ClinVar aggregate classification (germline): Conflicting classifications of pathogenicity. Review status: criteria provided, conflicting classifications (1 of 4 stars). 4 submissions from 4 submitters: Uncertain significance (3); Likely benign (1). Last evaluated 2026-08-26.

Conditions:
Macrothrombocytopenia and granulocyte inclusions with or without nephritis or sensorineural hearing loss (MATINS). Also called: Fechtner syndrome; Epstein syndrome; Giant platelet syndrome with thrombocytopenia; MYH9-Related Disease (MYH9-RD); SEBASTIAN PLATELET SYNDROME; MACROTHROMBOCYTOPENIA WITH DISPERSED LEUKOCYTIC INCLUSIONS. Identifiers: Orphanet 182050, MedGen C5200934, MONDO:0015912, OMIM 155100.
Autosomal dominant nonsyndromic hearing loss 17. Also called: Deafness, autosomal dominant 17; Autosomal dominant nonsyndromic deafness 17. Identifiers: Orphanet 90635, MedGen C1863659, MONDO:0011350, OMIM 603622.
Inborn genetic diseases. Identifiers: MedGen C0950123, MeSH D030342.

Allele frequency attached by ClinVar (database versions not stated): ExAC 0.00004; gnomAD 0.00003; TOPMed 0.00006.
gnomAD v4.1: 117 of 1,613,586 alleles (0.0073%); highest among the groups gnomAD compares: Non-Finnish European, 0.0091%; no homozygotes.

Submissions (4):

GeneDx
Classification: Uncertain significance. Last evaluated: 2026-08-26. Review status: criteria provided, single submitter. Criteria: GeneDx Variant Classification Process June 2021. Collection method: clinical testing. Allele origin: germline.
Comment: In silico analysis supports that this missense variant has a deleterious effect on protein structure/function; Has not been previously published as pathogenic or benign to our knowledge

Labcorp Genetics (formerly Invitae), Labcorp
Classification: Likely benign. Last evaluated: 2026-01-18. Review status: criteria provided, single submitter. Criteria: Invitae Variant Classification Sherloc (09022015). Collection method: clinical testing. Allele origin: germline.

Fulgent Genetics
Classification: Uncertain significance for Macrothrombocytopenia and granulocyte inclusions with or without nephritis or sensorineural hearing loss; Autosomal dominant nonsyndromic hearing loss 17. Last evaluated: 2024-06-14. Review status: criteria provided, single submitter. Criteria: ACMG Guidelines, 2015. Collection method: clinical testing. Allele origin: germline.

Ambry Genetics
Classification: Uncertain significance for Inborn genetic diseases. Last evaluated: 2021-12-06. Review status: criteria provided, single submitter. Criteria: Ambry Variant Classification Scheme 2023. Collection method: clinical testing. Allele origin: germline.